The following is an entry in ClinVar:

ClinVar aggregate classification (germline): Uncertain significance (1 of 4 stars; one submission).

Conditions:
VWF-related disorder. Also called: VWF-related disorders; VWF-related condition.

Submission:

PreventionGenetics, part of Exact Sciences
Classification: Uncertain significance for VWF-related condition. Last evaluated: 2026-09-14. Review status: criteria provided, single submitter. Criteria: ACMG Guidelines, 2015. Collection method: clinical testing. Allele origin: germline.
Comment: The VWF c.3764C>T variant is predicted to result in the amino acid substitution p.Thr1255Ile. To our knowledge, this variant has not been reported in the literature or in a large population database (gnomAD), indicating this variant is rare. At this time, the clinical significance of this variant is uncertain due to the absence of conclusive functional and genetic evidence.

NM_000552.5(VWF):c.3764C>T (p.Thr1255Ile)

Gene: VWF (von Willebrand factor; minus strand). Cytogenetic location: 12p13.31.
Variant type: single nucleotide variant.
Coding change: c.3764C>T on transcript NM_000552.5 (MANE Select); coding-DNA position 3764, C replaced by T.
Protein change: p.Thr1255Ile; replaces threonine 1255 with isoleucine.
Molecular consequence: missense variant.
Genome position (GRCh38, 1-based): chr12:6,019,654, G>A on the plus strand (C>T on the coding strand, the complement: VWF is on the minus strand). VCF-style: chr12-6019654-G-A. GRCh37 (hg19) VCF-style: chr12-6128820-G-A.
Other names: short protein forms T1255I.
Identifiers: ClinVar variation 4995814 (VCV004995814.1).